The following is an entry in ClinVar:

NM_005045.4(RELN):c.10027G>A (p.Asp3343Asn)

Genes: RELN (reelin; minus strand), SLC26A5-AS1 (SLC26A5 antisense RNA 1; plus strand). Cytogenetic location: 7q22.1.
Variant type: single nucleotide variant.
Coding change: c.10027G>A on transcript NM_005045.4 (MANE Select); coding-DNA position 10027, G replaced by A.
Protein change: p.Asp3343Asn; replaces aspartic acid 3343 with asparagine.
Molecular consequence: missense variant.
Genome position (GRCh38, 1-based): chr7:103,483,807, C>T on the plus strand (G>A on the coding strand, the complement: RELN is on the minus strand). VCF-style: chr7-103483807-C-T. GRCh37 (hg19) VCF-style: chr7-103124254-C-T.
Other names: c.10027G>A, p.Asp3343Asn (NM_173054.3); short protein forms D3343N.
Identifiers: ClinVar variation 1321048 (VCV001321048.2), dbSNP rs1371498467, ClinGen allele CA368739222.
Genomic context (GRCh38, chr7:103,483,807, plus strand): 5'-ATTGCAGCAGCACTGCCTTGTCCACAGCGTGGGGGCCACTCAGGTCACTGTTGCAGCTGT[C>T]CGTCTGCGACATGCTCCCAATTTGCAAAACAAACATGATTTTGCTGAAAAACACAGGGAA-3'
Protein context (NP_005036.2, residues 3333-3353): VLQIGSMSQT[Asp3343Asn]SCNSDLSGPH

ClinVar aggregate classification (germline): Uncertain significance (1 of 4 stars; one submission).

Allele frequency attached by ClinVar (database versions not stated): gnomAD exomes below 0.00001.
gnomAD v4.1: 1 of 1,614,040 alleles (0.000062%); highest among the groups gnomAD compares: South Asian, 0.0011%; no homozygotes.

Submission:

GeneDx
Classification: Uncertain significance. Last evaluated: 2020-01-13. Review status: criteria provided, single submitter. Criteria: GeneDx Variant Classification Process June 2021. Collection method: clinical testing. Allele origin: germline. Affected: yes.
Comment: Not observed at a significant frequency in large population cohorts (Lek et al., 2016); In silico analysis, which includes protein predictors and evolutionary conservation, supports that this variant does not alter protein structure/function; Has not been previously published as pathogenic or benign to our knowledge